The following is an entry in ClinVar:

ClinVar aggregate classification (germline): Uncertain significance. Review status: criteria provided, multiple submitters, no conflicts (2 of 4 stars). 2 submissions from 2 submitters: Uncertain significance (2). Last evaluated 2026-07-11.

Conditions:
Ehlers-Danlos syndrome, classic type, 1 (EDSCL1). Also called: EDS I; EHLERS-DANLOS SYNDROME, GRAVIS TYPE; EHLERS-DANLOS SYNDROME, SEVERE CLASSIC TYPE; Ehlers-Danlos Syndrome, Classic Type, COL5A1-Related; Ehlers-Danlos syndrome, type 1. Identifiers: MedGen C0268335, MONDO:0019567, OMIM 130000.
Familial thoracic aortic aneurysm and aortic dissection (TAAD). Also called: Thoracic aortic aneurysms and dissections. Identifiers: Orphanet 91387, MedGen C4707243, MONDO:0019625.

Submissions (2):

Ambry Genetics
Classification: Uncertain significance for Familial thoracic aortic aneurysm and aortic dissection. Last evaluated: 2026-07-11. Review status: criteria provided, single submitter. Criteria: Ambry Variant Classification Scheme 2023. Collection method: clinical testing. Allele origin: germline.
Comment: The p.P58H variant (also known as c.173C>A), located in coding exon 2 of the COL5A2 gene, results from a C to A substitution at nucleotide position 173. The proline at codon 58 is replaced by histidine, an amino acid with similar properties. This amino acid position is conserved. In addition, the in silico prediction for this alteration is inconclusive. Based on the available evidence, the clinical significance of this variant remains unclear.

Labcorp Genetics (formerly Invitae), Labcorp
Classification: Uncertain significance for Ehlers-Danlos syndrome, classic type, 1. Last evaluated: 2025-10-12. Review status: criteria provided, single submitter. Criteria: Invitae Variant Classification Sherloc (09022015). Collection method: clinical testing. Allele origin: germline.
Comment: This sequence change replaces proline, which is neutral and non-polar, with histidine, which is basic and polar, at codon 58 of the COL5A2 protein (p.Pro58His). This variant is not present in population databases (gnomAD no frequency). This variant has not been reported in the literature in individuals affected with COL5A2-related conditions. ClinVar contains an entry for this variant (Variation ID: 459730). Invitae Evidence Modeling of protein sequence and biophysical properties (such as structural, functional, and spatial information, amino acid conservation, physicochemical variation, residue mobility, and thermodynamic stability) has been performed for this missense variant. However, the output from this modeling did not meet the statistical confidence thresholds required to predict the impact of this variant on COL5A2 protein function. In summary, the available evidence is currently insufficient to determine the role of this variant in disease. Therefore, it has been classified as a Variant of Uncertain Significance.

NM_000393.5(COL5A2):c.173C>A (p.Pro58His)

Gene: COL5A2 (collagen type V alpha 2 chain; minus strand). Cytogenetic location: 2q32.2.
Variant type: single nucleotide variant.
Coding change: c.173C>A on transcript NM_000393.5 (MANE Select); coding-DNA position 173, C replaced by A.
Protein change: p.Pro58His; replaces proline 58 with histidine.
Molecular consequence: missense variant.
Genome position (GRCh38, 1-based): chr2:189,110,374, G>T on the plus strand (C>A on the coding strand, the complement: COL5A2 is on the minus strand). VCF-style: chr2-189110374-G-T. GRCh37 (hg19) VCF-style: chr2-189975100-G-T.
Other names: short protein forms P58H.
Identifiers: ClinVar variation 459730 (VCV000459730.9), dbSNP rs766925699, ClinGen allele CA349868322.